The following is an entry in ClinVar:

ClinVar aggregate classification (germline): Pathogenic (1 of 4 stars; one submission).

Conditions:
Syndromic microphthalmia. Also called: Syndromic microphthalmia-anophthalmia-coloboma. Identifiers: Orphanet 202948, MedGen C5679782, MONDO:0016073.

Submission:

Genome Sciences Centre, British Columbia Cancer Agency
Classification: Pathogenic for Syndromic microphthalmia. Last evaluated: 2022-01-27. Review status: criteria provided, single submitter. Criteria: Technical standards for the interpretation and reporting of constitutional copy-number variants. Collection method: research. Allele origin: de novo. Affected: yes. Observed: 1 heterozygote.
Comment: This variant results in a duplication-inverted triplication-duplication (DUP-TRP/INV-DUP) of chromosome 13q, overlapping more than 50 protein-coding genes. The variant was observed de novo in a proband with anophthalmia and multiple congenital anomalies (Boerkoel and Dixon 2022). Microphthalmia, anophthalmia and coloboma (MAC) are associated with trisomy 13 and 13q deletion and duplication syndromes (Koole 1990, Kirchhoff 2009, Quelin 2014). However, MAC shows considerable genetic heterogeneity and the genes involved in 13q-related disease are not well-defined. Based on recommendations from the ACMG and ClinGen for the interpretation of copy number variants, this variant is classified as pathogenic (Riggs 2020).

Literature cited by the submitters: DOI 10.1002/ajmg.a.62676; PubMed 2348978; PubMed 19363806; PubMed 24975584.

NC_000013.10:g.114819939_qterdelins[96729864_114814234inv;96735632_104289803]

Variant type: Indel.
Other names: 46,XY,der(13)(pter->q34::q34->q32.1::q32.1->q33.1:)dn.
Identifiers: ClinVar variation 1338742 (VCV001338742.1).